The following is an entry in ClinVar:

ClinVar aggregate classification (germline): Uncertain significance (1 of 4 stars; one submission).

gnomAD v4.1: 2 of 1,590,504 alleles (0.00013%); highest among the groups gnomAD compares: South Asian, 0.0011%; no homozygotes.

Submission:

Labcorp Genetics (formerly Invitae), Labcorp
Classification: Uncertain significance. Last evaluated: 2025-04-09. Review status: criteria provided, single submitter. Criteria: Invitae Variant Classification Sherloc (09022015). Collection method: clinical testing. Allele origin: germline.
Comment: This sequence change replaces proline, which is neutral and non-polar, with arginine, which is basic and polar, at codon 206 of the MYLK3 protein (p.Pro206Arg). This variant is not present in population databases (gnomAD no frequency). This variant has not been reported in the literature in individuals affected with MYLK3-related conditions. An algorithm developed to predict the effect of missense changes on protein structure and function (PolyPhen-2) suggests that this variant is likely to be disruptive. In summary, the available evidence is currently insufficient to determine the role of this variant in disease. Therefore, it has been classified as a Variant of Uncertain Significance.

NM_182493.3(MYLK3):c.617C>G (p.Pro206Arg)

Gene: MYLK3 (myosin light chain kinase 3; minus strand). Cytogenetic location: 16q11.2.
Variant type: single nucleotide variant.
Coding change: c.617C>G on transcript NM_182493.3 (MANE Select); coding-DNA position 617, C replaced by G.
Protein change: p.Pro206Arg; replaces proline 206 with arginine.
Molecular consequence: missense variant. On other transcripts: intron variant (1).
Genome position (GRCh38, 1-based): chr16:46,738,095, G>C on the plus strand (C>G on the coding strand, the complement: MYLK3 is on the minus strand). VCF-style: chr16-46738095-G-C. GRCh37 (hg19) VCF-style: chr16-46772007-G-C.
Other names: c.-23+1962C>G (NM_001308301.1); short protein forms P206R.
Identifiers: ClinVar variation 4781491 (VCV004781491.1).
Genomic context (GRCh38, chr16:46,738,095, plus strand): 5'-CCCTGGCCCGGTGAGACCACTGCCTGGGCGGGGTCAGCTCCCAGCCCTGACGCTCTGATG[G>C]GGGGCAGCCTCTCCGCTGTCCCCTCCAGCACGTCCGCCTTCTGGCTCTCTACAGGAAAAC-3'
Protein context (NP_872299.2, residues 196-216): VLEGTAERLP[Pro206Arg]IRASGLGADP